The following is an entry in ClinVar:

ClinVar aggregate classification (germline): Likely benign. Review status: criteria provided, multiple submitters, no conflicts (2 of 4 stars). 5 submissions from 5 submitters: Likely benign (5). Last evaluated 2026-01-09.

Conditions:
BIN1-related disorder. Also called: BIN1-related condition.
Myopathy, centronuclear, 2 (CNM2). Also called: MYOTUBULAR MYOPATHY, AUTOSOMAL RECESSIVE. Identifiers: Orphanet 169186, MedGen CN031787, MONDO:0009709, OMIM 255200.

Allele frequency attached by ClinVar (database versions not stated): gnomAD exomes 0.00001; ExAC 0.00002; gnomAD 0.00009; TOPMed 0.00014; 1000 Genomes Project 0.00040; 1000 Genomes Project 30x 0.00047.
gnomAD v4.1: 24 of 1,613,894 alleles (0.0015%); highest among the groups gnomAD compares: Admixed American, 0.033%; no homozygotes.

Submissions (5):

Labcorp Genetics (formerly Invitae), Labcorp
Classification: Likely benign for Myopathy, centronuclear, 2. Last evaluated: 2026-01-09. Review status: criteria provided, single submitter. Criteria: Invitae Variant Classification Sherloc (09022015). Collection method: clinical testing. Allele origin: germline.

PreventionGenetics, part of Exact Sciences
Classification: Likely benign for BIN1-related condition. Last evaluated: 2025-11-21. Review status: criteria provided, single submitter. Criteria: ACMG Guidelines, 2015. Collection method: clinical testing. Allele origin: germline.
Comment: This variant is classified as likely benign based on ACMG/AMP sequence variant interpretation guidelines (Richards et al. 2015 PMID: 25741868, with internal and published modifications).

Athena Diagnostics
Classification: Likely benign. Last evaluated: 2025-11-06. Review status: criteria provided, single submitter. Criteria: Athena Diagnostics Criteria. Collection method: clinical testing. Allele origin: unknown.
Comment: Computational tools yielded predictions that this variant is unlikely to have an effect on normal RNA splicing. This nucleotide position exhibits low evolutionary conservation.

GeneDx
Classification: Likely benign. Last evaluated: 2020-06-01. Review status: criteria provided, single submitter. Criteria: GeneDx Variant Classification Process June 2021. Collection method: clinical testing. Allele origin: germline. Affected: yes.

Breakthrough Genomics
Classification: Likely benign. Review status: criteria provided, single submitter. Criteria: ACMG Guidelines, 2015. Collection method: not provided. Allele origin: germline. Inheritance: Autosomal recessive inheritance. Affected: yes.

NM_139343.3(BIN1):c.636C>T (p.Ala212=)

Gene: BIN1 (bridging integrator 1; minus strand). Cytogenetic location: 2q14.3.
Variant type: single nucleotide variant.
Coding change: c.636C>T on transcript NM_139343.3 (MANE Select); coding-DNA position 636, C replaced by T.
Protein change: p.Ala212=; no amino-acid change (alanine 212 retained).
Molecular consequence: synonymous variant.
Genome position (GRCh38, 1-based): chr2:127,063,995, G>A on the plus strand (C>T on the coding strand, the complement: BIN1 is on the minus strand). VCF-style: chr2-127063995-G-A. GRCh37 (hg19) VCF-style: chr2-127821571-G-A.
Other names: c.636C>T (NM_139343.1); c.543C>T, p.Ala181= (NM_001320632.2, NM_001320641.2, NM_004305.4 and 6 more transcripts); c.636C>T, p.Ala212= (NM_001320633.2, NM_001320640.2, NM_139344.3 and 1 more transcripts); c.471C>T, p.Ala157= (NM_001320634.1); c.555C>T, p.Ala185= (NM_001320642.1).
Identifiers: ClinVar variation 387827 (VCV000387827.23), dbSNP rs201238412, ClinGen allele CA1857395.
Genomic context (GRCh38, chr2:127,063,995, plus strand): 5'-GTTCCACAGGGACGGCAGCTCCTCCTGCAGATCCACATTCATCTCCTCAAACACCTTCTG[G>A]GCTTTGATGAGCTCCTCCTCGGCCTGGGGGGCAGCACGGGTCATTCCCCTCTGTTGGGCG-3'
Protein context (NP_647593.1, residues 202-222): RNQAEEELIK[Ala212=]QKVFEEMNVD